The following is an entry in ClinVar:

NM_001008537.3(NEXMIF):c.3041G>A (p.Cys1014Tyr)

Gene: NEXMIF (neurite extension and migration factor; minus strand). Cytogenetic location: Xq13.3.
Variant type: single nucleotide variant.
Coding change: c.3041G>A on transcript NM_001008537.3 (MANE Select); coding-DNA position 3041, G replaced by A.
Protein change: p.Cys1014Tyr; replaces cysteine 1014 with tyrosine.
Molecular consequence: missense variant.
Genome position (GRCh38, 1-based): chrX:74,741,516, C>T on the plus strand (G>A on the coding strand, the complement: NEXMIF is on the minus strand). VCF-style: chrX-74741516-C-T. GRCh37 (hg19) VCF-style: chrX-73961351-C-T.
Other names: short protein forms C1014Y.
Identifiers: ClinVar variation 2729883 (VCV002729883.3), dbSNP rs2519912955, ClinGen allele CA413666852.

ClinVar aggregate classification (germline): Uncertain significance (1 of 4 stars; one submission).

Submission:

Labcorp Genetics (formerly Invitae), Labcorp
Classification: Uncertain significance. Last evaluated: 2024-10-22. Review status: criteria provided, single submitter. Criteria: Invitae Variant Classification Sherloc (09022015). Collection method: clinical testing. Allele origin: germline.
Comment: This sequence change replaces cysteine, which is neutral and slightly polar, with tyrosine, which is neutral and polar, at codon 1014 of the NEXMIF protein (p.Cys1014Tyr). This variant is not present in population databases (gnomAD no frequency). This variant has not been reported in the literature in individuals affected with NEXMIF-related conditions. An algorithm developed to predict the effect of missense changes on protein structure and function (PolyPhen-2) suggests that this variant is likely to be disruptive. In summary, the available evidence is currently insufficient to determine the role of this variant in disease. Therefore, it has been classified as a Variant of Uncertain Significance.